The following is an entry in ClinVar:

ClinVar aggregate classification (germline): Uncertain significance. Review status: criteria provided, multiple submitters, no conflicts (2 of 4 stars). 2 submissions from 2 submitters: Uncertain significance (2). Last evaluated 2025-12-24.

Conditions:
Cardiovascular phenotype. Identifiers: MedGen CN230736.
Brugada syndrome. Also called: Sudden unexpected nocturnal death syndrome; Sudden unexplained nocturnal death syndrome; Sudden Unexplained Death Syndrome; Sudden Unexplained Nocturnal Death Syndrome (SUNDS). Identifiers: Orphanet 130, MedGen C1142166, MONDO:0015263.

Allele frequency attached by ClinVar (database versions not stated): ExAC 0.00002; ESP Exome Variant Server 0.00008.
gnomAD v4.1: 16 of 1,614,092 alleles (0.00099%); highest among the groups gnomAD compares: Non-Finnish European, 0.0013%; no homozygotes.

Submissions (2):

Ambry Genetics
Classification: Uncertain significance for Cardiovascular phenotype. Last evaluated: 2025-12-24. Review status: criteria provided, single submitter. Criteria: Ambry Variant Classification Scheme 2023. Collection method: clinical testing. Allele origin: germline.
Comment: The p.E944D variant (also known as c.2832G>T), located in coding exon 16 of the SCN10A gene, results from a G to T substitution at nucleotide position 2832. The glutamic acid at codon 944 is replaced by aspartic acid, an amino acid with highly similar properties. This amino acid position is conserved. In addition, this alteration is predicted to be tolerated by in silico analysis. Based on the available evidence, the clinical significance of this variant remains unclear.

Labcorp Genetics (formerly Invitae), Labcorp
Classification: Uncertain significance for Brugada syndrome. Last evaluated: 2023-11-18. Review status: criteria provided, single submitter. Criteria: Invitae Variant Classification Sherloc (09022015). Collection method: clinical testing. Allele origin: germline.
Comment: This sequence change replaces glutamic acid, which is acidic and polar, with aspartic acid, which is acidic and polar, at codon 944 of the SCN10A protein (p.Glu944Asp). This variant is present in population databases (rs141861200, gnomAD 0.006%). This variant has not been reported in the literature in individuals affected with SCN10A-related conditions. Advanced modeling of protein sequence and biophysical properties (such as structural, functional, and spatial information, amino acid conservation, physicochemical variation, residue mobility, and thermodynamic stability) performed at Invitae indicates that this missense variant is not expected to disrupt SCN10A protein function with a negative predictive value of 80%. In summary, the available evidence is currently insufficient to determine the role of this variant in disease. Therefore, it has been classified as a Variant of Uncertain Significance.

NM_006514.4(SCN10A):c.2832G>T (p.Glu944Asp)

Genes: SCN10A (sodium voltage-gated channel alpha subunit 10; minus strand), LOC110121288 (VISTA enhancer hs2268; plus strand). Cytogenetic location: 3p22.2.
Variant type: single nucleotide variant.
Coding change: c.2832G>T on transcript NM_006514.4 (MANE Select); coding-DNA position 2832, G replaced by T.
Protein change: p.Glu944Asp; replaces glutamic acid 944 with aspartic acid.
Molecular consequence: missense variant.
Genome position (GRCh38, 1-based): chr3:38,726,861, C>A on the plus strand (G>T on the coding strand, the complement: SCN10A is on the minus strand). VCF-style: chr3-38726861-C-A. GRCh37 (hg19) VCF-style: chr3-38768352-C-A.
Other names: c.2832G>T (NM_006514.2); c.2832G>T, p.Glu944Asp (NM_001293306.2); c.2538G>T, p.Glu846Asp (NM_001293307.2); short protein forms E846D, E944D.
Identifiers: ClinVar variation 2728439 (VCV002728439.4), dbSNP rs141861200, ClinGen allele CA2320422.
Genomic context (GRCh38, chr3:38,726,861, plus strand): 5'-GGCAGCAATGTGGTTCTCAGCCTTGGAGCTGGAGAGTGGGAGTTTCACCACCAGCTCAGG[C>A]TCTGCCTTGGGCTGGGGGAATGGGCAGGACCTGCTGAAGAAGCTGCAAAGAGCCTGTTTG-3'
Protein context (NP_006505.4, residues 934-954): RSCPFPQPKA[Glu944Asp]PELVVKLPLS